The following is an entry in ClinVar:

NM_001370100.5(ZMYND11):c.1008C>T (p.His336=)

Gene: ZMYND11 (zinc finger MYND-type containing 11; plus strand). Cytogenetic location: 10p15.3.
Variant type: single nucleotide variant.
Coding change: c.1008C>T on transcript NM_001370100.5 (MANE Select); coding-DNA position 1008, C replaced by T.
Protein change: p.His336=; no amino-acid change (histidine 336 retained).
Molecular consequence: synonymous variant. On other transcripts: non-coding transcript variant (1).
Genome position (GRCh38, 1-based): chr10:246,823, C>T. VCF-style: chr10-246823-C-T. GRCh37 (hg19) VCF-style: chr10-292763-C-T.
Other names: c.1008C>T, p.His336= (NM_001161482.1, NM_001202468.1, NM_001370097.3 and 6 more transcripts); c.846C>T, p.His282= (NM_001202464.3, NM_001202467.1, NM_001370103.2 and 6 more transcripts); c.753C>T, p.His251= (NM_001202465.3, NM_001370110.2); c.843C>T, p.His281= (NM_001202466.3, NM_001370111.2); c.957C>T, p.His319= (NM_001330057.3, NM_001370112.2); c.915C>T, p.His305= (NM_001370113.2, NM_001370114.2); c.1005C>T, p.His335= (NM_001370115.2, NM_212479.4); c.942C>T, p.His314= (NM_001370116.2); and 7 more.
Identifiers: ClinVar variation 2175490 (VCV002175490.28), dbSNP rs150625727, ClinGen allele CA5379141.

ClinVar aggregate classification (germline): Benign/Likely benign. Review status: criteria provided, multiple submitters, no conflicts (2 of 4 stars). 2 submissions from 2 submitters: Benign (1); Likely benign (1). Last evaluated 2026-09-01.

Allele frequency attached by ClinVar (database versions not stated): ESP Exome Variant Server 0.00015; ExAC 0.00061; 1000 Genomes Project 30x 0.00094; 1000 Genomes Project 0.00120.
gnomAD v4.1: 549 of 1,614,088 alleles (0.034%); highest among the groups gnomAD compares: Middle Eastern, 0.33%; 1 homozygote.

Submissions (2):

CeGaT Center for Human Genetics Tuebingen
Classification: Likely benign. Last evaluated: 2026-09-01. Review status: criteria provided, single submitter. Criteria: CeGaT Center For Human Genetics Tuebingen Variant Classification Criteria Version 2. Collection method: clinical testing. Allele origin: germline. Affected: yes. Observed: 4 variant alleles.
Comment: ZMYND11: BP4, BP7, BS1

Labcorp Genetics (formerly Invitae), Labcorp
Classification: Benign. Last evaluated: 2026-01-05. Review status: criteria provided, single submitter. Criteria: Invitae Variant Classification Sherloc (09022015). Collection method: clinical testing. Allele origin: germline.